The following is an entry in ClinVar:

NM_001122681.2(SH3BP2):c.320C>T (p.Thr107Met)

Gene: SH3BP2 (SH3 domain binding protein 2; plus strand). Cytogenetic location: 4p16.3.
Variant type: single nucleotide variant.
Coding change: c.320C>T on transcript NM_001122681.2 (MANE Select); coding-DNA position 320, C replaced by T.
Protein change: p.Thr107Met; replaces threonine 107 with methionine.
Molecular consequence: missense variant.
Genome position (GRCh38, 1-based): chr4:2,824,693, C>T. VCF-style: chr4-2824693-C-T. GRCh37 (hg19) VCF-style: chr4-2826420-C-T.
Other names: c.404C>T, p.Thr135Met (NM_001145855.2); c.491C>T, p.Thr164Met (NM_001145856.2); c.320C>T, p.Thr107Met (NM_003023.4); short protein forms T164M, T107M, T135M.
Identifiers: ClinVar variation 2203502 (VCV002203502.4), dbSNP rs368951667, ClinGen allele CA2819003.
Genomic context (GRCh38, chr4:2,824,693, plus strand): 5'-AGACCACGTCCAACAACGTTTTCCCCTTCAAGATCATCCATATCAGCAAGAAGCACCGCA[C>T]GTGGTTCTTCTCGGCCTCCTCCGAGGAGGAGCGCAAGGTGACTGGGGGTCCGAGGACGAG-3'
Protein context (NP_001116153.1, residues 97-117): KIIHISKKHR[Thr107Met]WFFSASSEEE

ClinVar aggregate classification (germline): Uncertain significance (1 of 4 stars; one submission).

Conditions:
Fibrous dysplasia of jaw (CRBM). Also called: Cherubism. Identifiers: Orphanet 184, MedGen C0008029, MONDO:0007315, OMIM 118400.

Allele frequency attached by ClinVar (database versions not stated): gnomAD exomes 0.00001; ExAC 0.00002; ESP Exome Variant Server 0.00008.
gnomAD v4.1: 20 of 1,613,692 alleles (0.0012%); highest among the groups gnomAD compares: South Asian, 0.0044%; no homozygotes.

Submission:

Labcorp Genetics (formerly Invitae), Labcorp
Classification: Uncertain significance for Fibrous dysplasia of jaw. Last evaluated: 2025-08-30. Review status: criteria provided, single submitter. Criteria: Invitae Variant Classification Sherloc (09022015). Collection method: clinical testing. Allele origin: germline.
Comment: This sequence change replaces threonine, which is neutral and polar, with methionine, which is neutral and non-polar, at codon 107 of the SH3BP2 protein (p.Thr107Met). This variant is present in population databases (rs368951667, gnomAD 0.01%). This missense change has been observed in individual(s) with cherubism (PMID: 19017279). ClinVar contains an entry for this variant (Variation ID: 2203502). Invitae Evidence Modeling of protein sequence and biophysical properties (such as structural, functional, and spatial information, amino acid conservation, physicochemical variation, residue mobility, and thermodynamic stability) indicates that this missense variant is not expected to disrupt SH3BP2 protein function with a negative predictive value of 80%. Experimental studies are conflicting or provide insufficient evidence to determine the effect of this variant on SH3BP2 function (PMID: 20002873). In summary, the available evidence is currently insufficient to determine the role of this variant in disease. Therefore, it has been classified as a Variant of Uncertain Significance.

Literature cited by the submitters: PubMed 19017279; PubMed 20002873.